The following is an entry in ClinVar:

NM_005228.5(EGFR):c.3517C>A (p.Gln1173Lys)

Gene: EGFR (epidermal growth factor receptor; plus strand). Cytogenetic location: 7p11.2.
Variant type: single nucleotide variant.
Coding change: c.3517C>A on transcript NM_005228.5 (MANE Select); coding-DNA position 3517, C replaced by A.
Protein change: p.Gln1173Lys; replaces glutamine 1173 with lysine.
Molecular consequence: missense variant.
Genome position (GRCh38, 1-based): chr7:55,205,501, C>A. VCF-style: chr7-55205501-C-A. GRCh37 (hg19) VCF-style: chr7-55273194-C-A.
Other names: c.3517C>A (NM_005228.3); c.3382C>A, p.Gln1128Lys (NM_001346899.2); c.3358C>A, p.Gln1120Lys (NM_001346900.2); c.2716C>A, p.Gln906Lys (NM_001346941.2); short protein forms Q1120K, Q1173K, Q1128K, Q906K.
Identifiers: ClinVar variation 1497521 (VCV001497521.9), dbSNP rs2128975510, ClinGen allele CA367584800.

ClinVar aggregate classification (germline): Uncertain significance. Review status: criteria provided, multiple submitters, no conflicts (2 of 4 stars). 2 submissions from 2 submitters: Uncertain significance (2). Last evaluated 2026-03-23.

Conditions:
EGFR-related lung cancer (EGFR). Identifiers: MedGen CN130014.
Hereditary cancer-predisposing syndrome. Also called: Tumor predisposition; Neoplastic Syndromes, Hereditary; Hereditary Cancer Syndrome; Hereditary neoplastic syndrome. Identifiers: Orphanet 140162, MedGen C0027672, MeSH D009386, MONDO:0015356.

Submissions (2):

Ambry Genetics
Classification: Uncertain significance for Hereditary cancer-predisposing syndrome. Last evaluated: 2026-03-23. Review status: criteria provided, single submitter. Criteria: Ambry Variant Classification Scheme 2023. Collection method: clinical testing. Allele origin: germline.
Comment: The p.Q1173K variant (also known as c.3517C>A), located in coding exon 28 of the EGFR gene, results from a C to A substitution at nucleotide position 3517. The glutamine at codon 1173 is replaced by lysine, an amino acid with similar properties. This amino acid position is conserved. In addition, this alteration is predicted to be tolerated by in silico analysis. Based on the available evidence, the clinical significance of this variant remains unclear.

Labcorp Genetics (formerly Invitae), Labcorp
Classification: Uncertain significance for EGFR-related lung cancer. Last evaluated: 2020-11-10. Review status: criteria provided, single submitter. Criteria: Invitae Variant Classification Sherloc (09022015). Collection method: clinical testing. Allele origin: germline.
Comment: In summary, the available evidence is currently insufficient to determine the role of this variant in disease. Therefore, it has been classified as a Variant of Uncertain Significance. Algorithms developed to predict the effect of missense changes on protein structure and function (SIFT, PolyPhen-2, Align-GVGD) all suggest that this variant is likely to be tolerated, but these predictions have not been confirmed by published functional studies and their clinical significance is uncertain. This variant has not been reported in the literature in individuals with EGFR-related conditions. This variant is not present in population databases (ExAC no frequency). This sequence change replaces glutamine with lysine at codon 1173 of the EGFR protein (p.Gln1173Lys). The glutamine residue is moderately conserved and there is a small physicochemical difference between glutamine and lysine.